The following is an entry in ClinVar:

NM_004336.5(BUB1):c.769C>G (p.Gln257Glu)

Gene: BUB1 (BUB1 mitotic checkpoint serine/threonine kinase; minus strand). Cytogenetic location: 2q13.
Variant type: single nucleotide variant.
Coding change: c.769C>G on transcript NM_004336.5 (MANE Select); coding-DNA position 769, C replaced by G.
Protein change: p.Gln257Glu; replaces glutamine 257 with glutamic acid.
Molecular consequence: missense variant.
Genome position (GRCh38, 1-based): chr2:110,667,557, G>C on the plus strand (C>G on the coding strand, the complement: BUB1 is on the minus strand). VCF-style: chr2-110667557-G-C. GRCh37 (hg19) VCF-style: chr2-111425134-G-C.
Other names: c.709C>G, p.Gln237Glu (NM_001278616.2); c.769C>G, p.Gln257Glu (NM_001278617.2); short protein forms Q257E, Q237E.
Identifiers: ClinVar variation 1760177 (VCV001760177.2), dbSNP rs763742751, ClinGen allele CA53540859.

ClinVar aggregate classification (germline): Uncertain significance (1 of 4 stars; one submission).

Allele frequency attached by ClinVar (database versions not stated): gnomAD exomes 0.00001.
gnomAD v4.1: 7 of 1,613,612 alleles (0.00043%); highest among the groups gnomAD compares: Non-Finnish European, 0.00059%; no homozygotes.

Submission:

Ambry Genetics
Classification: Uncertain significance. Last evaluated: 2023-12-17. Review status: criteria provided, single submitter. Criteria: Ambry Variant Classification Scheme 2023. Collection method: clinical testing. Allele origin: germline.
Comment: The p.Q257E variant (also known as c.769C>G), located in coding exon 8 of the BUB1 gene, results from a C to G substitution at nucleotide position 769. The glutamine at codon 257 is replaced by glutamic acid, an amino acid with highly similar properties. This amino acid position is conserved. In addition, this alteration is predicted to be tolerated by in silico analysis. Since supporting evidence is limited at this time, the clinical significance of this alteration remains unclear.